The following is an entry in ClinVar:

ClinVar aggregate classification (germline): Benign. Review status: criteria provided, single submitter (1 of 4 stars). 2 submissions from 2 submitters: Benign (1). 1 of the submissions does not count toward it. Last evaluated 2019-12-31.

Conditions:
ACACB-related disorder. Also called: ACACB-related condition.

Allele frequency attached by ClinVar (database versions not stated): 1000 Genomes Project 0.00639; 1000 Genomes Project 30x 0.00718; ESP Exome Variant Server 0.00884; TOPMed 0.00915.
gnomAD v4.1: 2,254 of 1,537,888 alleles (0.15%); highest among the groups gnomAD compares: African/African-American, 2.8%; 43 homozygotes.

Submissions (4):

Labcorp Genetics (formerly Invitae), Labcorp
Classification: Benign. Last evaluated: 2019-12-31. Review status: criteria provided, single submitter. Criteria: Invitae Variant Classification Sherloc (09022015). Collection method: clinical testing. Allele origin: germline.

PreventionGenetics, part of Exact Sciences
Classification: Benign for ACACB-related condition. Last evaluated: 2019-04-01. Review status: no assertion criteria provided. Collection method: clinical testing. Allele origin: germline. Not counted in ClinVar's aggregate classification.
Comment: This variant is classified as benign based on ACMG/AMP sequence variant interpretation guidelines (Richards et al. 2015 PMID: 25741868, with internal and published modifications).

Dr. Peter K. Rogan Lab, Western University
No classification provided (evidence only). Condition: Cervical cancer. Review status: no classification provided. Collection method: in vitro. Allele origin: not applicable. Functional consequence: retained intron. Not counted in ClinVar's aggregate classification.

Dr. Peter K. Rogan Lab, Western University
No classification provided (evidence only). Condition: Hepatocellular carcinoma. Review status: no classification provided. Collection method: in vitro. Allele origin: not applicable. Functional consequence: retained intron. Not counted in ClinVar's aggregate classification.

NM_001093.4(ACACB):c.2655G>A (p.Thr885=)

Gene: ACACB (acetyl-CoA carboxylase beta; plus strand). Cytogenetic location: 12q24.11.
Variant type: single nucleotide variant.
Coding change: c.2655G>A on transcript NM_001093.4 (MANE Select); coding-DNA position 2655, G replaced by A.
Protein change: p.Thr885=; no amino-acid change (threonine 885 retained).
Molecular consequence: synonymous variant.
Genome position (GRCh38, 1-based): chr12:109,199,429, G>A. VCF-style: chr12-109199429-G-A. GRCh37 (hg19) VCF-style: chr12-109637234-G-A.
Other names: NC_000012.11:g.109637234G>A.
Identifiers: ClinVar variation 783671 (VCV000783671.7), dbSNP rs73398054, ClinGen allele CA6773731.